The following is an entry in ClinVar:

NM_000038.6(APC):c.7669T>A (p.Ser2557Thr)

Gene: APC (APC regulator of Wnt signaling pathway; plus strand). Cytogenetic location: 5q22.2.
Variant type: single nucleotide variant.
Coding change: c.7669T>A on transcript NM_000038.6 (MANE Select); coding-DNA position 7669, T replaced by A.
Protein change: p.Ser2557Thr; replaces serine 2557 with threonine.
Molecular consequence: missense variant.
Genome position (GRCh38, 1-based): chr5:112,843,263, T>A. VCF-style: chr5-112843263-T-A. GRCh37 (hg19) VCF-style: chr5-112178960-T-A.
Other names: c.7615T>A, p.Ser2539Thr (NM_001127511.3); c.7669T>A, p.Ser2557Thr (NM_001354895.2, NM_001127510.3); c.7723T>A, p.Ser2575Thr (NM_001354896.2); c.7699T>A, p.Ser2567Thr (NM_001354897.2); c.7594T>A, p.Ser2532Thr (NM_001354898.2); c.7585T>A, p.Ser2529Thr (NM_001354899.2); c.7546T>A, p.Ser2516Thr (NM_001354900.2); c.7492T>A, p.Ser2498Thr (NM_001354901.2); and 5 more; short protein forms S2274T, S2466T, S2567T, S2516T, S2397T, S2431T, S2498T, S2532T.
Identifiers: ClinVar variation 1447119 (VCV001447119.8), dbSNP rs1766538129, ClinGen allele CA16037990.

ClinVar aggregate classification (germline): Uncertain significance (1 of 4 stars; one submission).

Conditions:
Familial adenomatous polyposis 1 (FAP1). Also called: FAMILIAL ADENOMATOUS POLYPOSIS 1, ATTENUATED; POLYPOSIS, ADENOMATOUS INTESTINAL. Identifiers: MedGen C2713442, MONDO:0021056, OMIM 175100. Disease mechanism: loss of function.

Submission:

Labcorp Genetics (formerly Invitae), Labcorp
Classification: Uncertain significance for Familial adenomatous polyposis 1. Last evaluated: 2021-07-06. Review status: criteria provided, single submitter. Criteria: Invitae Variant Classification Sherloc (09022015). Collection method: clinical testing. Allele origin: germline.
Comment: This sequence change replaces serine with threonine at codon 2557 of the APC protein (p.Ser2557Thr). The serine residue is highly conserved and there is a small physicochemical difference between serine and threonine. This variant is not present in population databases (ExAC no frequency). This variant has not been reported in the literature in individuals with APC-related conditions. Algorithms developed to predict the effect of missense changes on protein structure and function (SIFT, PolyPhen-2, Align-GVGD) all suggest that this variant is likely to be disruptive, but these predictions have not been confirmed by published functional studies and their clinical significance is uncertain. In summary, the available evidence is currently insufficient to determine the role of this variant in disease. Therefore, it has been classified as a Variant of Uncertain Significance.